The following is an entry in ClinVar:

ClinVar aggregate classification (germline): Uncertain significance (1 of 4 stars; one submission).

Conditions:
Usher syndrome type 3B. Also called: USHER SYNDROME, TYPE IIIB. Identifiers: MedGen C3281066, MONDO:0013788, OMIM 614504.

Submission:

Labcorp Genetics (formerly Invitae), Labcorp
Classification: Uncertain significance for Usher syndrome type 3B. Last evaluated: 2023-08-05. Review status: criteria provided, single submitter. Criteria: Invitae Variant Classification Sherloc (09022015). Collection method: clinical testing. Allele origin: germline.
Comment: Variants that disrupt the consensus splice site are a relatively common cause of aberrant splicing (PMID: 17576681, 9536098). Algorithms developed to predict the effect of sequence changes on RNA splicing suggest that this variant may disrupt the consensus splice site. In summary, the available evidence is currently insufficient to determine the role of this variant in disease. Therefore, it has been classified as a Variant of Uncertain Significance. This variant has not been reported in the literature in individuals affected with HARS-related conditions. This sequence change falls in intron 3 of the HARS gene. It does not directly change the encoded amino acid sequence of the HARS protein. It affects a nucleotide within the consensus splice site. This variant is not present in population databases (gnomAD no frequency).

Literature cited by the submitters: PubMed 17576681; PubMed 9536098.

NM_002109.6(HARS1):c.300+4del

Gene: HARS1 (histidyl-tRNA synthetase 1; minus strand). Cytogenetic location: 5q31.3.
Variant type: Deletion.
Coding change: c.300+4del on transcript NM_002109.6 (MANE Select); 4 bases into the intron after coding-DNA position 300, one base deleted (A; older notation c.300+4delA).
Molecular consequence: intron variant.
Genome position (GRCh38, 1-based): chr5:140,683,096, T deleted on the plus strand (A on the coding strand, the reverse complement: HARS1 is on the minus strand). VCF-style (leftmost placement, unchanged base first): chr5-140683095-CT-C. GRCh37 (hg19) VCF-style: chr5-140062680-CT-C.
Other names: c.213+4del (NM_001289094.2); c.181-5081del (NM_001289093.2); c.181-3213del (NM_001258042.3, NM_001258040.3); c.300+4del (NM_001289092.2, NM_001258041.3).
Identifiers: ClinVar variation 2750424 (VCV002750424.3), dbSNP rs2481290521, ClinGen allele CA2697546534.
Genomic context (GRCh38, chr5:140,683,095, plus strand): 5'-TCATCTTCTTTGTTATTCAAATGCCCACTCATCTACCATGTAGTTTCTTCTTGCCCATTC[CT>C]CACCTTTAGTTCAAATACAGGTGTATCAATGACTTCTGCACCGTGGCGCTTGAAGCAACG-3'